The following is an entry in ClinVar:

NM_000210.4(ITGA6):c.2538C>T (p.Leu846=)

Genes: ITGA6 (integrin subunit alpha 6; plus strand), PDK1-AS1 (PDK1 and ITGA6 antisense RNA 1; minus strand). Cytogenetic location: 2q31.1.
Variant type: single nucleotide variant.
Coding change: c.2538C>T on transcript NM_000210.4 (MANE Select); coding-DNA position 2538, C replaced by T.
Protein change: p.Leu846=; no amino-acid change (leucine 846 retained).
Molecular consequence: synonymous variant.
Genome position (GRCh38, 1-based): chr2:172,489,517, C>T. VCF-style: chr2-172489517-C-T. GRCh37 (hg19) VCF-style: chr2-173354245-C-T.
Other names: c.2538C>T, p.Leu846= (NM_001079818.3, NM_001365529.2, NM_001365530.2); c.2181C>T, p.Leu727= (NM_001316306.2).
Identifiers: ClinVar variation 722316 (VCV000722316.14), dbSNP rs181814375, ClinGen allele CA1968428.

ClinVar aggregate classification (germline): Benign/Likely benign. Review status: criteria provided, multiple submitters, no conflicts (2 of 4 stars). 3 submissions from 3 submitters: Benign (1); Likely benign (2). Last evaluated 2025-12-23.

Conditions:
Epidermolysis bullosa, junctional 6, with pyloric atresia. Also called: ITGA6-Related Epidermolysis Bullosa with Pyloric Atresia. Identifiers: MedGen C5676957, MONDO:0859233, OMIM 619817.
Junctional epidermolysis bullosa with pyloric atresia. Also called: Junctional Epidermolysis Bullosa- Pyloric Atresia Syndrome; EPIDERMOLYSIS BULLOSA, JUNCTIONAL 5B, WITH PYLORIC ATRESIA; APLASIA CUTIS CONGENITA WITH GASTROINTESTINAL ATRESIA; CARMI SYNDROME; ITGB4-Related Epidermolysis Bullosa with Pyloric Atresia; EB-PA-ACC. Identifiers: Orphanet 79403, MedGen C5676875, MONDO:0009183, OMIM 226730.

Allele frequency attached by ClinVar (database versions not stated): gnomAD 0.00014 and 0.00023; TOPMed 0.00041; ExAC 0.00061; 1000 Genomes Project 0.00160; gnomAD exomes 0.00016 and 0.00066; 1000 Genomes Project 30x 0.00141.
gnomAD v4.1: 260 of 1,613,780 alleles (0.016%); highest among the groups gnomAD compares: East Asian, 0.51%; no homozygotes.

Submissions (3):

Labcorp Genetics (formerly Invitae), Labcorp
Classification: Benign. Last evaluated: 2025-12-23. Review status: criteria provided, single submitter. Criteria: Invitae Variant Classification Sherloc (09022015). Collection method: clinical testing. Allele origin: germline.

Fulgent Genetics
Classification: Likely benign for Epidermolysis bullosa, junctional 6, with pyloric atresia. Last evaluated: 2021-09-03. Review status: criteria provided, single submitter. Criteria: ACMG Guidelines, 2015. Collection method: clinical testing. Allele origin: unknown.

Illumina Laboratory Services, Illumina
Classification: Likely benign for Junctional epidermolysis bullosa with pyloric atresia. Last evaluated: 2018-01-12. Review status: criteria provided, single submitter. Criteria: ICSL Variant Classification Criteria 13 December 2019. Collection method: clinical testing. Allele origin: germline.
Comment: This variant was observed in the ICSL laboratory as part of a predisposition screen in an ostensibly healthy population. It had not been previously curated by ICSL or reported in the Human Gene Mutation Database (HGMD: prior to June 1st, 2018), and was therefore a candidate for classification through an automated scoring system. Utilizing variant allele frequency, disease prevalence and penetrance estimates, and inheritance mode, an automated score was calculated to assess if this variant is too frequent to cause the disease. Based on the score and internal cut-off values, a variant classified as likely benign is not then subjected to further curation. The score for this variant resulted in a classification of likely benign for this disease.